The following is an entry in ClinVar:

ClinVar aggregate classification (germline): Uncertain significance (1 of 4 stars; one submission).

Conditions:
Dystonia 5 (DRD). Also called: GTP Cyclohydrolase 1-Deficient Dopa-Responsive Dystonia; Dystonia, DOPA-responsive, with or without hyperphenylalaninemia; DYT-GCH1; DYSTONIA, PROGRESSIVE, WITH DIURNAL VARIATION; DYSTONIA-PARKINSONISM WITH DIURNAL FLUCTUATION. Identifiers: Orphanet 98808, MedGen C1851920, MONDO:0007495, OMIM 128230.
GTP cyclohydrolase I deficiency. Identifiers: MedGen C0268467, MONDO:0100184.

Submission:

Labcorp Genetics (formerly Invitae), Labcorp
Classification: Uncertain significance for GTP cyclohydrolase I deficiency; Dystonia 5. Last evaluated: 2025-02-17. Review status: criteria provided, single submitter. Criteria: Invitae Variant Classification Sherloc (09022015). Collection method: clinical testing. Allele origin: germline.
Comment: This sequence change replaces isoleucine, which is neutral and non-polar, with methionine, which is neutral and non-polar, at codon 113 of the GCH1 protein (p.Ile113Met). This variant is not present in population databases (gnomAD no frequency). This variant has not been reported in the literature in individuals affected with GCH1-related conditions. Invitae Evidence Modeling of protein sequence and biophysical properties (such as structural, functional, and spatial information, amino acid conservation, physicochemical variation, residue mobility, and thermodynamic stability) indicates that this missense variant is not expected to disrupt GCH1 protein function with a negative predictive value of 80%. In summary, the available evidence is currently insufficient to determine the role of this variant in disease. Therefore, it has been classified as a Variant of Uncertain Significance.

NM_000161.3(GCH1):c.339C>G (p.Ile113Met)

Gene: GCH1 (GTP cyclohydrolase 1; minus strand). Cytogenetic location: 14q22.2.
Variant type: single nucleotide variant.
Coding change: c.339C>G on transcript NM_000161.3 (MANE Select); coding-DNA position 339, C replaced by G.
Protein change: p.Ile113Met; replaces isoleucine 113 with methionine.
Molecular consequence: missense variant.
Genome position (GRCh38, 1-based): chr14:54,902,325, G>C on the plus strand (C>G on the coding strand, the complement: GCH1 is on the minus strand). VCF-style: chr14-54902325-G-C. GRCh37 (hg19) VCF-style: chr14-55369043-G-C.
Other names: c.339C>G, p.Ile113Met (NM_001024024.2, NM_001024070.2, NM_001024071.2 and 1 more transcripts); short protein forms I113M.
Identifiers: ClinVar variation 4793498 (VCV004793498.1).